The following is an entry in ClinVar:

NM_014484.5(MOCS3):c.710C>G (p.Thr237Ser)

Gene: MOCS3 (molybdenum cofactor synthesis 3; plus strand). Cytogenetic location: 20q13.13.
Variant type: single nucleotide variant.
Coding change: c.710C>G on transcript NM_014484.5 (MANE Select); coding-DNA position 710, C replaced by G.
Protein change: p.Thr237Ser; replaces threonine 237 with serine.
Molecular consequence: missense variant.
Genome position (GRCh38, 1-based): chr20:50,959,552, C>G. VCF-style: chr20-50959552-C-G. GRCh37 (hg19) VCF-style: chr20-49576089-C-G.
Other names: c.710C>G (NM_014484.3); short protein forms T237S.
Identifiers: ClinVar variation 1389666 (VCV001389666.9), dbSNP rs751481772, ClinGen allele CA9909459.

ClinVar aggregate classification (germline): Uncertain significance. Review status: criteria provided, multiple submitters, no conflicts (2 of 4 stars). 2 submissions from 2 submitters: Uncertain significance (2). Last evaluated 2025-11-09.

Allele frequency attached by ClinVar (database versions not stated): gnomAD exomes below 0.00001 and 0.00001; ExAC 0.00002; gnomAD 0.00003; TOPMed 0.00005.

Submissions (2):

Labcorp Genetics (formerly Invitae), Labcorp
Classification: Uncertain significance. Last evaluated: 2025-11-09. Review status: criteria provided, single submitter. Criteria: Invitae Variant Classification Sherloc (09022015). Collection method: clinical testing. Allele origin: germline.
Comment: This sequence change replaces threonine, which is neutral and polar, with serine, which is neutral and polar, at codon 237 of the MOCS3 protein (p.Thr237Ser). This variant is present in population databases (rs751481772, gnomAD 0.008%). This variant has not been reported in the literature in individuals affected with MOCS3-related conditions. ClinVar contains an entry for this variant (Variation ID: 1389666). An algorithm developed to predict the effect of missense changes on protein structure and function (PolyPhen-2) suggests that this variant is likely to be disruptive. In summary, the available evidence is currently insufficient to determine the role of this variant in disease. Therefore, it has been classified as a Variant of Uncertain Significance.

Ambry Genetics
Classification: Uncertain significance. Last evaluated: 2025-01-21. Review status: criteria provided, single submitter. Criteria: Ambry Variant Classification Scheme 2023. Collection method: clinical testing. Allele origin: germline.